The following is an entry in ClinVar:

NM_000465.4(BARD1):c.2252G>C (p.Arg751Pro)

Gene: BARD1 (BRCA1 associated RING domain 1; minus strand). Cytogenetic location: 2q35.
Variant type: single nucleotide variant.
Coding change: c.2252G>C on transcript NM_000465.4 (MANE Select); coding-DNA position 2252, G replaced by C.
Protein change: p.Arg751Pro; replaces arginine 751 with proline.
Molecular consequence: missense variant. On other transcripts: non-coding transcript variant (3).
Genome position (GRCh38, 1-based): chr2:214,728,758, C>G on the plus strand (G>C on the coding strand, the complement: BARD1 is on the minus strand). VCF-style: chr2-214728758-C-G. GRCh37 (hg19) VCF-style: chr2-215593482-C-G.
Other names: c.2195G>C, p.Arg732Pro (NM_001282543.2); c.899G>C, p.Arg300Pro (NM_001282545.2); c.842G>C, p.Arg281Pro (NM_001282548.2); c.713G>C, p.Arg238Pro (NM_001282549.2); short protein forms R751P, R281P, R300P, R732P, R238P.
Identifiers: ClinVar variation 479151 (VCV000479151.14), dbSNP rs587782246, ClinGen allele CA350449988.

ClinVar aggregate classification (germline): Uncertain significance. Review status: criteria provided, multiple submitters, no conflicts (2 of 4 stars). 2 submissions from 2 submitters: Uncertain significance (2). Last evaluated 2025-07-24.

Conditions:
Familial cancer of breast. Also called: BREAST CANCER, FAMILIAL; hereditary breast carcinoma; Hereditary breast cancer. Identifiers: Orphanet 227535, MedGen C0346153, MONDO:0016419, OMIM 114480. Disease mechanism: loss of function.
Hereditary cancer-predisposing syndrome. Also called: Neoplastic Syndromes, Hereditary; Hereditary Cancer Syndrome; Hereditary neoplastic syndrome; Tumor predisposition. Identifiers: Orphanet 140162, MedGen C0027672, MeSH D009386, MONDO:0015356.

gnomAD v4.1: 2 of 1,614,160 alleles (0.00012%); highest among the groups gnomAD compares: African/African-American, 0.0013%; no homozygotes.

Submissions (2):

Labcorp Genetics (formerly Invitae), Labcorp
Classification: Uncertain significance for Familial cancer of breast. Last evaluated: 2025-07-24. Review status: criteria provided, single submitter. Criteria: Invitae Variant Classification Sherloc (09022015). Collection method: clinical testing. Allele origin: germline.
Comment: This sequence change replaces arginine, which is basic and polar, with proline, which is neutral and non-polar, at codon 751 of the BARD1 protein (p.Arg751Pro). This variant is not present in population databases (gnomAD no frequency). This variant has not been reported in the literature in individuals affected with BARD1-related conditions. ClinVar contains an entry for this variant (Variation ID: 479151). An algorithm developed to predict the effect of missense changes on protein structure and function (PolyPhen-2) suggests that this variant is likely to be disruptive. In summary, the available evidence is currently insufficient to determine the role of this variant in disease. Therefore, it has been classified as a Variant of Uncertain Significance.

Ambry Genetics
Classification: Uncertain significance for Hereditary cancer-predisposing syndrome. Last evaluated: 2016-06-09. Review status: criteria provided, single submitter. Criteria: Ambry Variant Classification Scheme 2023. Collection method: clinical testing. Allele origin: germline.
Comment: The p.R751P variant (also known as c.2252G>C), located in coding exon 11 of the BARD1 gene, results from a G to C substitution at nucleotide position 2252. The arginine at codon 751 is replaced by proline, an amino acid with dissimilar properties. This variant was not reported in population based cohorts in the following databases: Database of Single Nucleotide Polymorphisms (dbSNP), NHLBI Exome Sequencing Project (ESP), and 1000 Genomes Project. In the ESP, this variant was not observed in 6503 samples (13006 alleles) with coverage at this position. To date, this alteration has been detected with an allele frequency of approximately 0.001% (greater than 175000 alleles tested) in our clinical cohort. This amino acid position is highly conserved in available vertebrate species. In addition, the in silico prediction for this alteration is inconclusive. Since supporting evidence is limited at this time, the clinical significance of this alteration remains unclear.